The following is an entry in ClinVar:

NM_001112741.2(KCNC1):c.1649C>T (p.Ser550Leu)

Gene: KCNC1 (potassium voltage-gated channel subfamily C member 1; plus strand). Cytogenetic location: 11p15.1.
Variant type: single nucleotide variant.
Coding change: c.1649C>T on transcript NM_001112741.2 (MANE Select); coding-DNA position 1649, C replaced by T.
Protein change: p.Ser550Leu; replaces serine 550 with leucine.
Molecular consequence: missense variant.
Genome position (GRCh38, 1-based): chr11:17,779,600, C>T. VCF-style: chr11-17779600-C-T. GRCh37 (hg19) VCF-style: chr11-17801147-C-T.
Other names: short protein forms S550L.
Identifiers: ClinVar variation 1011041 (VCV001011041.9), dbSNP rs1849324263, ClinGen allele CA379814526.

ClinVar aggregate classification (germline): Uncertain significance (1 of 4 stars; one submission).

Conditions:
Progressive myoclonic epilepsy type 7. Identifiers: Orphanet 435438, MedGen C4015420, MONDO:0014521, OMIM 616187.

Submission:

Labcorp Genetics (formerly Invitae), Labcorp
Classification: Uncertain significance for Progressive myoclonic epilepsy type 7. Last evaluated: 2022-08-16. Review status: criteria provided, single submitter. Criteria: Invitae Variant Classification Sherloc (09022015). Collection method: clinical testing. Allele origin: germline.
Comment: In summary, the available evidence is currently insufficient to determine the role of this variant in disease. Therefore, it has been classified as a Variant of Uncertain Significance. Advanced modeling of protein sequence and biophysical properties (such as structural, functional, and spatial information, amino acid conservation, physicochemical variation, residue mobility, and thermodynamic stability) performed at Invitae indicates that this missense variant is expected to disrupt KCNC1 protein function. ClinVar contains an entry for this variant (Variation ID: 1011041). This variant has not been reported in the literature in individuals affected with KCNC1-related conditions. This variant is not present in population databases (gnomAD no frequency). This sequence change replaces serine, which is neutral and polar, with leucine, which is neutral and non-polar, at codon 550 of the KCNC1 protein (p.Ser550Leu).